The following continues an entry in ClinVar:

NM_000334.4(SCN4A):c.3917G>C (p.Gly1306Ala)

ClinVar aggregate classification (germline): Pathogenic/Likely pathogenic. Pathogenic (13); Likely pathogenic (1).

Submissions 9 to 15 of 15:

Molecular Genetics, Royal Melbourne Hospital
Classification: Pathogenic for SCN4A-related channelopathy. Last evaluated: 2024-11-04. Review status: criteria provided, single submitter. Criteria: ACMG Guidelines, 2015. Collection method: clinical testing. Allele origin: germline. Inheritance: Autosomal dominant inheritance. Affected: yes.
Comment: This sequence change in SCN4A is predicted to replace glycine with alanine at codon 1306, p.(Gly1306Ala). The glycine residue is highly conserved (100 vertebrates, Multiz Alignments), and is located in the cytoplasmic ion transporter region. There is a moderate physicochemical difference between glycine and alanine. The highest population minor allele frequency in the population database gnomAD v4.1 is 0.001% (1/74,674 alleles) in the African/African-American population. This variant has been reported in multiple unrelated probands with myotonia and segregates with disease in multiple families (PMID: 15389891, 28325641, 32670189, 26080010, 33573884, 31544778, 29606556). A functional study with limited validation assaying the biophysical properties of mutant rat skeletal muscle cells that were expressed in HEK293T cells is supportive of a damaging effect on protein function suggestive of a loss-of-function mechanism (PMID: 8740371). Computational evidence predicts a deleterious effect for the missense substitution (REVEL = 0.871) and predicts no impact on splicing (SpliceAI) for the nucleotide change. Other missense in this codon have been reported as pathogenic for SCN4A-related skeletal muscle sodium channelopathies (ClinVar ID: 5903, 5920). Based on the classification scheme RMH Modified ACMG/AMP Guidelines v1.7.0, this variant is classified as PATHOGENIC. Following criteria are met: PS4, PP1_Strong, PM2_Supporting, PP3, PS3_Supporting.

MGZ Medical Genetics Center
Classification: Likely pathogenic for Potassium-aggravated myotonia. Last evaluated: 2022-06-22. Review status: criteria provided, single submitter. Criteria: ACMG Guidelines, 2015. Collection method: clinical testing. Allele origin: germline. Affected: yes. Observed: 1 variant allele.
Comment: ACMG criteria applied: PS4_MOD, PS3_SUP, PM2_SUP, PP1, PP3

Institute for Clinical Genetics, University Hospital TU Dresden, University Hospital TU Dresden
Classification: Pathogenic. Last evaluated: 2022-06-01. Review status: criteria provided, single submitter. Criteria: ACMG Guidelines, 2015. Collection method: clinical testing. Allele origin: maternal.

GeneDx
Classification: Pathogenic. Last evaluated: 2021-02-25. Review status: criteria provided, single submitter. Criteria: GeneDx Variant Classification Process June 2021. Collection method: clinical testing. Allele origin: germline. Affected: yes.
Comment: Published functional studies indicate that this variant impairs fast inactivation as compared to wild type (Lerche et al., 1993); Predicted to be within the intracellular loop between the third and fourth homologous domain; Not observed at a significant frequency in large population cohorts (Lek et al., 2016); In silico analysis, which includes protein predictors and evolutionary conservation, supports a deleterious effect; In-silico analysis, which includes splice predictors and evolutionary conservation, is inconclusive as to whether the variant alters gene splicing. In the absence of RNA/functional studies, the actual effect of this sequence change is unknown.; This variant is associated with the following publications: (PMID: 32369273, 25525159, 7980103, 8308722, 31307605, 29774303, 28877545, 32849172, 32670189, 26080010, 31544778, 26885337, 32660787, 32528171)

Blueprint Genetics
Classification: Pathogenic for SCN4A-related disorders. Last evaluated: 2019-10-29. Review status: criteria provided, single submitter. Criteria: ACMG Guidelines, 2015. Collection method: clinical testing. Allele origin: germline. Affected: yes. Observed: 2 variant alleles.

Eurofins Ntd Llc (ga)
Classification: Pathogenic. Last evaluated: 2014-02-03. Review status: criteria provided, single submitter. Criteria: EGL Classification Definitions. Collection method: clinical testing. Allele origin: germline. Observed: 1 variant allele, 1 heterozygote.

OMIM
Classification: Pathogenic for MYOTONIA FLUCTUANS. Last evaluated: 1994-11-01. Review status: no assertion criteria provided. Collection method: literature only. Allele origin: germline. Not counted in ClinVar's aggregate classification.

Literature cited by the submitters: PubMed 32593548 (cited by Clinical Genetics Laboratory, Region Ostergotland); PubMed 29606556 (cited by Clinical Genetics Laboratory, Region Ostergotland and Molecular Genetics, Royal Melbourne Hospital); PubMed 33263785 (cited by Clinical Genetics Laboratory, Region Ostergotland and Athena Diagnostics); PubMed 8740371 (cited by 3 submitters); PubMed 7473241 (cited by 4 submitters); PubMed 16392038 (cited by 4 submitters); PubMed 8308722 (cited by 4 submitters); PubMed 36796140 (cited by Clinical Genetics Laboratory, Region Ostergotland and Athena Diagnostics); PubMed 32660787 (cited by Clinical Genetics Laboratory, Region Ostergotland and Athena Diagnostics); PubMed 33573884 (cited by Clinical Genetics Laboratory, Region Ostergotland and Molecular Genetics, Royal Melbourne Hospital); PubMed 28325641 (cited by 3 submitters); PubMed 32670189 (cited by 3 submitters); PubMed 15389891 (cited by Clinical Genetics Laboratory, Region Ostergotland and Molecular Genetics, Royal Melbourne Hospital); PubMed 26080010 (cited by 5 submitters); PubMed 7980103 (cited by 4 submitters); PubMed 26885337 (cited by Labcorp Genetics (formerly Invitae), Labcorp and Athena Diagnostics); PubMed 16832098 (cited by Labcorp Genetics (formerly Invitae), Labcorp); PubMed 17823953 (cited by Labcorp Genetics (formerly Invitae), Labcorp); PubMed 20713951 (cited by Labcorp Genetics (formerly Invitae), Labcorp); PubMed 23771340 (cited by Athena Diagnostics and Ambry Genetics); PubMed 28877545 (cited by Athena Diagnostics); PubMed 18166706 (cited by Athena Diagnostics); PubMed 18337730 (cited by Athena Diagnostics and Ambry Genetics); PubMed 23810313 (cited by Athena Diagnostics); PubMed 34996390 (cited by Athena Diagnostics); PubMed 31544778 (cited by Molecular Genetics, Royal Melbourne Hospital).